The following is an entry in ClinVar:

NM_002485.5(NBN):c.385A>G (p.Asn129Asp)

Gene: NBN (nibrin; minus strand). Cytogenetic location: 8q21.3.
Variant type: single nucleotide variant.
Coding change: c.385A>G on transcript NM_002485.5 (MANE Select); coding-DNA position 385, A replaced by G.
Protein change: p.Asn129Asp; replaces asparagine 129 with aspartic acid.
Molecular consequence: missense variant.
Genome position (GRCh38, 1-based): chr8:89,980,829, T>C on the plus strand (A>G on the coding strand, the complement: NBN is on the minus strand). VCF-style: chr8-89980829-T-C. GRCh37 (hg19) VCF-style: chr8-90993057-T-C.
Other names: c.139A>G, p.Asn47Asp (NM_001024688.3); short protein forms N129D, N47D.
Identifiers: ClinVar variation 1009062 (VCV001009062.11), dbSNP rs1060503477, ClinGen allele CA371661982.

ClinVar aggregate classification (germline): Uncertain significance. Review status: criteria provided, multiple submitters, no conflicts (2 of 4 stars). 2 submissions from 2 submitters: Uncertain significance (2). Last evaluated 2023-06-09.

Conditions:
Hereditary cancer-predisposing syndrome. Also called: Tumor predisposition; Hereditary Cancer Syndrome; Neoplastic Syndromes, Hereditary; Hereditary neoplastic syndrome. Identifiers: Orphanet 140162, MedGen C0027672, MeSH D009386, MONDO:0015356.
Microcephaly, normal intelligence and immunodeficiency (NBS). Also called: SEEMANOVA SYNDROME II; IMMUNODEFICIENCY, MICROCEPHALY, AND CHROMOSOMAL INSTABILITY; Ataxia telangiectasia variant V1; BERLIN BREAKAGE SYNDROME; Nijmegen breakage syndrome; Microcephaly with normal intelligence immunodeficiency and lymphoreticular malignancies. Identifiers: Orphanet 647, MedGen C0398791, MONDO:0009623, OMIM 251260.

Allele frequency attached by ClinVar (database versions not stated): gnomAD exomes below 0.00001.
gnomAD v4.1: 1 of 1,612,594 alleles (0.000062%); highest among the groups gnomAD compares: Non-Finnish European, 0.000085%; no homozygotes.

Submissions (2):

Labcorp Genetics (formerly Invitae), Labcorp
Classification: Uncertain significance for Microcephaly, normal intelligence and immunodeficiency. Last evaluated: 2023-06-09. Review status: criteria provided, single submitter. Criteria: Invitae Variant Classification Sherloc (09022015). Collection method: clinical testing. Allele origin: germline.
Comment: In summary, the available evidence is currently insufficient to determine the role of this variant in disease. Therefore, it has been classified as a Variant of Uncertain Significance. An algorithm developed to predict the effect of missense changes on protein structure and function (PolyPhen-2) suggests that this variant is likely to be tolerated. ClinVar contains an entry for this variant (Variation ID: 1009062). This variant has not been reported in the literature in individuals affected with NBN-related conditions. This variant is not present in population databases (gnomAD no frequency). This sequence change replaces asparagine, which is neutral and polar, with aspartic acid, which is acidic and polar, at codon 129 of the NBN protein (p.Asn129Asp).

Ambry Genetics
Classification: Uncertain significance for Hereditary cancer-predisposing syndrome. Last evaluated: 2016-01-04. Review status: criteria provided, single submitter. Criteria: Ambry Variant Classification Scheme 2023. Collection method: clinical testing. Allele origin: germline.
Comment: The p.N129D variant (also known as c.385A>G), located in coding exon 4 of the NBN gene, results from an A to G substitution at nucleotide position 385. The asparagine at codon 129 is replaced by aspartic acid, an amino acid with highly similar properties. This variant was not reported in population based cohorts in the following databases: Database of Single Nucleotide Polymorphisms (dbSNP), NHLBI Exome Sequencing Project (ESP), and 1000 Genomes Project. In the ESP, this variant was not observed in 6503 samples (13006 alleles) with coverage at this position. To date, this alteration has been detected with an allele frequency of approximately 0.001% (greater than 120000 alleles tested) in our clinical cohort. This amino acid position is well conserved in available vertebrate species. In addition, this alteration is predicted to be tolerated by in silico analysis. Since supporting evidence is limited at this time, the clinical significance of p.N129D remains unclear.